The following is an entry in ClinVar:

ClinVar aggregate classification (germline): Uncertain significance (1 of 4 stars; one submission).

Conditions:
Sphingolipid activator protein 1 deficiency. Also called: Saposin B Deficiency; METACHROMATIC LEUKODYSTROPHY DUE TO CEREBROSIDE SULFATASE ACTIVATOR DEFICIENCY; Metachromatic leukodystrophy due to saposin B deficiency. Identifiers: Orphanet 512, MedGen C0268262, MONDO:0009590, OMIM 249900.

Submission:

Labcorp Genetics (formerly Invitae), Labcorp
Classification: Uncertain significance for Sphingolipid activator protein 1 deficiency. Last evaluated: 2022-02-10. Review status: criteria provided, single submitter. Criteria: Invitae Variant Classification Sherloc (09022015). Collection method: clinical testing. Allele origin: germline.
Comment: This variant is not present in population databases (gnomAD no frequency). This variant has not been reported in the literature in individuals affected with PSAP-related conditions. Algorithms developed to predict the effect of missense changes on protein structure and function are either unavailable or do not agree on the potential impact of this missense change (SIFT: "Not Available"; PolyPhen-2: "Probably Damaging"; Align-GVGD: "Not Available"). In summary, the available evidence is currently insufficient to determine the role of this variant in disease. Therefore, it has been classified as a Variant of Uncertain Significance. This sequence change replaces cysteine, which is neutral and slightly polar, with tyrosine, which is neutral and polar, at codon 451 of the PSAP protein (p.Cys451Tyr).

NM_002778.4(PSAP):c.1352G>A (p.Cys451Tyr)

Gene: PSAP (prosaposin; minus strand). Cytogenetic location: 10q22.1.
Variant type: single nucleotide variant.
Coding change: c.1352G>A on transcript NM_002778.4 (MANE Select); coding-DNA position 1352, G replaced by A.
Protein change: p.Cys451Tyr; replaces cysteine 451 with tyrosine.
Molecular consequence: missense variant.
Genome position (GRCh38, 1-based): chr10:71,819,110, C>T on the plus strand (G>A on the coding strand, the complement: PSAP is on the minus strand). VCF-style: chr10-71819110-C-T. GRCh37 (hg19) VCF-style: chr10-73578867-C-T.
Other names: c.1361G>A, p.Cys454Tyr (NM_001042465.3); c.1358G>A, p.Cys453Tyr (NM_001042466.3); short protein forms C451Y, C454Y, C453Y.
Identifiers: ClinVar variation 1460600 (VCV001460600.8), dbSNP rs1194848564, ClinGen allele CA377142273.